The following is an entry in ClinVar:

ClinVar aggregate classification (germline): Pathogenic/Likely pathogenic. Review status: criteria provided, multiple submitters, no conflicts (2 of 4 stars). 8 submissions from 8 submitters: Pathogenic (4); Likely pathogenic (1). 3 of the submissions do not count toward it. Last evaluated 2026-09-21.

Conditions:
Cardiac malformation, cleft lip/palate, microcephaly, and digital anomalies. Also called: CLEFT PALATE, CARDIAC DEFECTS, AND IMPAIRED INTELLECTUAL DEVELOPMENT. Identifiers: MedGen C1832950, MONDO:0010970, OMIM 600987.
Inborn genetic diseases. Identifiers: MedGen C0950123, MeSH D030342.

Submissions (8):

Institute of Medical Genetics and Applied Genomics, University Hospital Tübingen
Classification: Pathogenic for Cardiac malformation, cleft lip/palate, microcephaly, and digital anomalies. Last evaluated: 2026-09-21. Review status: criteria provided, single submitter. Criteria: ACMG Guidelines, 2015. Collection method: clinical testing. Allele origin: germline. Inheritance: Autosomal dominant inheritance. Affected: yes.

GeneDx
Classification: Pathogenic. Last evaluated: 2024-08-03. Review status: criteria provided, single submitter. Criteria: GeneDx Variant Classification Process June 2021. Collection method: clinical testing. Allele origin: germline. Affected: yes.
Comment: Frameshift variant predicted to result in protein truncation or nonsense mediated decay in a gene for which loss of function is a known mechanism of disease; Not observed at significant frequency in large population cohorts (gnomAD); This variant is associated with the following publications: (PMID: 33722742, 32345733, 30291340)

Ambry Genetics
Classification: Pathogenic for Inborn genetic diseases. Last evaluated: 2024-03-01. Review status: criteria provided, single submitter. Criteria: Ambry Variant Classification Scheme 2023. Collection method: clinical testing. Allele origin: germline.
Comment: The c.934_937delTTAG (p.L312Rfs*11) alteration, located in coding exon 9 of the MEIS2 gene, consists of a deletion of 4 nucleotides from position 934 to 937, causing a translational frameshift with a predicted alternate stop codon after 11 amino acids. This alteration is expected to result in loss of function by premature protein truncation or nonsense-mediated mRNA decay. This variant was not reported in population-based cohorts in the Genome Aggregation Database (gnomAD). This variant was reported in multiple individuals with features consistent with MEIS2-related neurodevelopmental disorder, including two de novo occurrences (Verheije, 2019; Hildebrand, 2020; Ambry internal data). Based on the available evidence, this alteration is classified as pathogenic.

Laboratory of Medical Genetics, National & Kapodistrian University of Athens
Classification: Pathogenic for Cardiac malformation, cleft lip/palate, microcephaly, and digital anomalies. Last evaluated: 2021-10-05. Review status: criteria provided, single submitter. Criteria: ACMG Guidelines, 2015. Collection method: clinical testing. Allele origin: unknown. Affected: yes.
Comment: PVS1, PM2, PP5

Mendelics
Classification: Likely pathogenic for Cardiac malformation, cleft lip/palate, microcephaly, and digital anomalies. Last evaluated: 2019-05-28. Review status: criteria provided, single submitter. Criteria: Mendelics Assertion Criteria 2017. Collection method: clinical testing. Allele origin: unknown.

OMIM
Classification: Pathogenic for CLEFT PALATE, CARDIAC DEFECTS, AND IMPAIRED INTELLECTUAL DEVELOPMENT. Last evaluated: 2022-12-19. Review status: no assertion criteria provided. Collection method: literature only. Allele origin: germline. Not counted in ClinVar's aggregate classification.

Cytogénomique, Hospices Civils de Lyon
Classification: Pathogenic for Cardiac malformation, cleft lip/palate, microcephaly, and digital anomalies. Review status: no assertion criteria provided. Collection method: clinical testing. Allele origin: de novo. Inheritance: Autosomal dominant inheritance. Affected: yes. Not counted in ClinVar's aggregate classification.

Department of Rehabilitation Medicine, Incheon St. Mary’s Hospital, College of Medicine, The Catholic University of Korea
Classification: Pathogenic for Cardiac malformation, cleft lip/palate, microcephaly, and digital anomalies. Review status: no assertion criteria provided. Collection method: clinical testing. Allele origin: unknown. Affected: yes. Not counted in ClinVar's aggregate classification.

Literature cited by the submitters: PubMed 30291340 (cited by Ambry Genetics and OMIM); PubMed 32345733 (cited by Ambry Genetics).

NM_170675.5(MEIS2):c.934_937del (p.Leu312fs)

Gene: MEIS2 (Meis homeobox 2; minus strand). Cytogenetic location: 15q14.
Variant type: Deletion.
Coding change: c.934_937del on transcript NM_170675.5 (MANE Select); coding-DNA positions 934 to 937, 4 bases deleted (TTAG; older notation c.934_937delTTAG).
Protein change: p.Leu312fs; shifts the reading frame from leucine 312.
Molecular consequence: frameshift variant.
Genome position (GRCh38, 1-based): chr15:36,950,364-36,950,367, CTAA deleted on the plus strand (TTAG on the coding strand, the reverse complement: MEIS2 is on the minus strand); deleting any 4 consecutive bases within chr15:36,950,364-36,950,369 gives the same sequence; the c. name uses the placement nearest the transcript's 3' end. VCF-style (leftmost placement, unchanged base first): chr15-36950363-GCTAA-G. GRCh37 (hg19) VCF-style: chr15-37242564-GCTAA-G.
Other names: c.934_937del, p.Leu312fs (NM_001220482.2, NM_170674.5, NM_170676.5 and 1 more transcripts); c.895_898del, p.Leu299fs (NM_002399.4, NM_172315.3); c.670_673del, p.Leu224fs (NM_172316.3); short protein forms L224fs, L299fs, L312fs.
Identifiers: ClinVar variation 803063 (VCV000803063.12), dbSNP rs1595790647, ClinGen allele CA912980409.